The following is an entry in ClinVar:

ClinVar aggregate classification (germline): Uncertain significance. Review status: criteria provided, multiple submitters, no conflicts (2 of 4 stars). 5 submissions from 5 submitters: Uncertain significance (5). Last evaluated 2025-01-30.

Conditions:
Elliptocytosis 3 (EL3). Identifiers: MedGen C1866810, MONDO:0054780, OMIM 617948.
Hereditary spherocytosis type 2. Also called: SPHEROCYTOSIS, TYPE 2, AUTOSOMAL DOMINANT. Identifiers: Orphanet 822, MedGen C2674219, MONDO:0000913, OMIM 616649.

Submissions (5):

ARUP Laboratories, Molecular Genetics and Genomics, ARUP Laboratories
Classification: Uncertain significance. Last evaluated: 2025-01-30. Review status: criteria provided, single submitter. Criteria: ARUP Molecular Germline Variant Investigation Process 2024. Collection method: clinical testing. Allele origin: germline.
Comment: The SPTB c.6354_6356del; p.Glu2119del variant (rs750154106), to our knowledge, is not reported in the medical literature but is reported in ClinVar (Variation ID: 807128). This variant is absent from the Genome Aggregation Database (v2.1.1), indicating it is not a common polymorphism. This variant deletes a single amino acid residue leaving the rest of the protein in-frame. This variant may also impact splicing by weakening the nearby canonical acceptor splice site (Alamut Visual Plus v1.11). However, this negative impact on splicing has not been proven experimentally. Given the lack of clinical and functional data, the significance of this variant is uncertain at this time.

Fulgent Genetics
Classification: Uncertain significance for Hereditary spherocytosis type 2; Elliptocytosis 3. Last evaluated: 2021-10-13. Review status: criteria provided, single submitter. Criteria: ACMG Guidelines, 2015. Collection method: clinical testing. Allele origin: unknown.

Mayo Clinic Laboratories, Mayo Clinic
Classification: Uncertain significance. Last evaluated: 2021-04-13. Review status: criteria provided, single submitter. Criteria: ACMG Guidelines, 2015. Collection method: clinical testing. Allele origin: germline.

CeGaT Center for Human Genetics Tuebingen
Classification: Uncertain significance. Last evaluated: 2019-06-01. Review status: criteria provided, single submitter. Criteria: CeGaT Center For Human Genetics Tuebingen Variant Classification Criteria Version 2. Collection method: clinical testing. Allele origin: germline. Affected: yes. Observed: 1 variant allele.

Juno Genomics, Hangzhou Juno Genomics, Inc
Classification: Uncertain significance for Elliptocytosis 3; Hereditary spherocytosis type 2. Review status: criteria provided, single submitter. Criteria: ACMG Guidelines, 2015. Collection method: clinical testing. Allele origin: germline. Affected: yes.
Comment: Absent from controls (or at extremely low frequency if recessive) in Genome Aggregation Database, Exome Sequencing Project, 1000 Genomes Project, or Exome Aggregation Consortium.;Protein length changes due to in-frame deletions/insertions in a non-repeat region or stop-loss variants.

NM_001355436.2(SPTB):c.6351AGA[1] (p.Glu2119del)

Gene: SPTB (spectrin beta, erythrocytic; minus strand). Cytogenetic location: 14q23.3.
Variant type: Microsatellite.
Coding change: c.6351AGA[1] on transcript NM_001355436.2 (MANE Select); one copy of the 3-base unit AGA starting at c.6351; the reference has two copies in a row; one copy, 3 bases deleted; also written c.6354_6356del.
Protein change: p.Glu2119del; deletes glutamic acid 2119.
Molecular consequence: inframe deletion.
Genome position (GRCh38, 1-based): chr14:64,753,783-64,753,785, TCT deleted on the plus strand (AGA on the coding strand, the reverse complement: SPTB is on the minus strand); deleting any 3 consecutive bases within chr14:64,753,783-64,753,790 gives the same sequence; the position shown is the placement nearest the transcript's 3' end. VCF-style (leftmost placement, unchanged base first): chr14-64753782-CTCT-C. GRCh37 (hg19) VCF-style: chr14-65220500-CTCT-C.
Other names: p.Glu2119del; c.6351AGA[1], p.Glu2119del (NM_001024858.4); c.6354_6356del (NM_001355436.2); short protein forms E2119del.
Identifiers: ClinVar variation 807128 (VCV000807128.49), dbSNP rs750154106, ClinGen allele CA7229585.